The following is an entry in ClinVar:

ClinVar aggregate classification (germline): Benign/Likely benign. Review status: criteria provided, multiple submitters, no conflicts (2 of 4 stars). 4 submissions from 4 submitters: Benign (1); Likely benign (3). Last evaluated 2026-07-14.

Conditions:
Hereditary cancer-predisposing syndrome. Also called: Hereditary Cancer Syndrome; Hereditary neoplastic syndrome; Neoplastic Syndromes, Hereditary; Tumor predisposition. Identifiers: Orphanet 140162, MedGen C0027672, MeSH D009386, MONDO:0015356.
Rhabdoid tumor predisposition syndrome 2 (RTPS2). Identifiers: Orphanet 231108, Orphanet 69077, MedGen C2750074, MONDO:0013224, OMIM 613325.

Allele frequency attached by ClinVar (database versions not stated): gnomAD exomes below 0.00001 and 0.00001; TOPMed below 0.00001; ExAC 0.00001.
gnomAD v4.1: 7 of 1,613,312 alleles (0.00043%); highest among the groups gnomAD compares: Non-Finnish European, 0.00051%; no homozygotes.

Submissions (4):

Myriad Genetics, Inc.
Classification: Benign for Rhabdoid tumor predisposition syndrome 2. Last evaluated: 2026-07-14. Review status: criteria provided, single submitter. Criteria: Myriad Autosomal Dominant, Autosomal Recessive and X-Linked Classification Criteria (2023). Collection method: clinical testing. Allele origin: unknown.
Comment: This variant is considered benign. This variant is a silent/synonymous amino acid change and it is not expected to impact splicing.

Labcorp Genetics (formerly Invitae), Labcorp
Classification: Likely benign for Rhabdoid tumor predisposition syndrome 2. Last evaluated: 2025-10-13. Review status: criteria provided, single submitter. Criteria: Invitae Variant Classification Sherloc (09022015). Collection method: clinical testing. Allele origin: germline.

Sema4
Classification: Likely benign for Hereditary cancer-predisposing syndrome. Last evaluated: 2021-10-18. Review status: criteria provided, single submitter. Criteria: Sema4 Curation Guidelines. Collection method: curation. Allele origin: germline.

Ambry Genetics
Classification: Likely benign for Hereditary cancer-predisposing syndrome. Last evaluated: 2016-06-29. Review status: criteria provided, single submitter. Criteria: Ambry Variant Classification Scheme 2023. Collection method: clinical testing. Allele origin: germline.

NM_003072.5(SMARCA4):c.2889C>T (p.Leu963=)

Gene: SMARCA4 (SWI/SNF related BAF chromatin remodeling complex subunit ATPase 4; plus strand). Cytogenetic location: 19p13.2.
Variant type: single nucleotide variant.
Coding change: c.2889C>T on transcript NM_003072.5 (MANE Select); coding-DNA position 2889, C replaced by T.
Protein change: p.Leu963=; no amino-acid change (leucine 963 retained).
Molecular consequence: synonymous variant. On other transcripts: non-coding transcript variant (1).
Genome position (GRCh38, 1-based): chr19:11,023,547, C>T. VCF-style: chr19-11023547-C-T. GRCh37 (hg19) VCF-style: chr19-11134223-C-T.
Other names: c.2889C>T, p.Leu963= (NM_001128844.3, NM_001128845.2, NM_001128846.2 and 5 more transcripts).
Identifiers: ClinVar variation 415100 (VCV000415100.18), dbSNP rs758526064, ClinGen allele CA9204257.